The following is an entry in ClinVar:

ClinVar aggregate classification (germline): Uncertain significance (1 of 4 stars; one submission).

gnomAD v4.1: 1 of 1,289,354 alleles (0.000078%); highest among the groups gnomAD compares: Non-Finnish European, 0.0001%; no homozygotes.

Submission:

CeGaT Center for Human Genetics Tuebingen
Classification: Uncertain significance. Last evaluated: 2024-04-01. Review status: criteria provided, single submitter. Criteria: CeGaT Center For Human Genetics Tuebingen Variant Classification Criteria Version 2. Collection method: clinical testing. Allele origin: germline. Affected: yes. Observed: 1 variant allele.
Comment: STIM1: PM2, BP4

NM_001382567.1(STIM1):c.1567+5G>C

Gene: STIM1 (stromal interaction molecule 1; plus strand). Cytogenetic location: 11p15.4.
Variant type: single nucleotide variant.
Coding change: c.1567+5G>C on transcript NM_001382567.1 (MANE Select); 5 bases into the intron after coding-DNA position 1567, G replaced by C.
Molecular consequence: intron variant.
Genome position (GRCh38, 1-based): chr11:4,084,770, G>C. VCF-style: chr11-4084770-G-C. GRCh37 (hg19) VCF-style: chr11-4106000-G-C.
Other names: c.985+1272G>C (NM_001382581.1, NM_001382580.1); c.1252+1272G>C (NM_001382576.1, NM_001382566.1, NM_001382579.1 and 3 more transcripts); c.1495+1272G>C (NM_001382568.1); c.1474+1272G>C (NM_001277962.2, NM_003156.4, NM_001277961.3); c.1246+1272G>C (NM_001382570.1); c.1339+1272G>C (NM_001382569.1); c.994+1272G>C (NM_001382571.1).
Identifiers: ClinVar variation 3234571 (VCV003234571.20), dbSNP rs1472023654, ClinGen allele CA2612107565.